The following is an entry in ClinVar:

ClinVar aggregate classification (germline): Uncertain significance (1 of 4 stars; one submission).

Submission:

Labcorp Genetics (formerly Invitae), Labcorp
Classification: Uncertain significance. Last evaluated: 2024-11-22. Review status: criteria provided, single submitter. Criteria: Invitae Variant Classification Sherloc (09022015). Collection method: clinical testing. Allele origin: germline.
Comment: This sequence change replaces proline, which is neutral and non-polar, with histidine, which is basic and polar, at codon 43 of the OTULIN protein (p.Pro43His). This variant is not present in population databases (gnomAD no frequency). This variant has not been reported in the literature in individuals affected with OTULIN-related conditions. An algorithm developed to predict the effect of missense changes on protein structure and function (PolyPhen-2) suggests that this variant is likely to be tolerated. In summary, the available evidence is currently insufficient to determine the role of this variant in disease. Therefore, it has been classified as a Variant of Uncertain Significance.

NM_138348.6(OTULIN):c.128C>A (p.Pro43His)

Gene: OTULIN (OTU deubiquitinase with linear linkage specificity; plus strand). Cytogenetic location: 5p15.2.
Variant type: single nucleotide variant.
Coding change: c.128C>A on transcript NM_138348.6 (MANE Select); coding-DNA position 128, C replaced by A.
Protein change: p.Pro43His; replaces proline 43 with histidine.
Molecular consequence: missense variant.
Genome position (GRCh38, 1-based): chr5:14,664,953, C>A. VCF-style: chr5-14664953-C-A. GRCh37 (hg19) VCF-style: chr5-14665062-C-A.
Other names: short protein forms P43H.
Identifiers: ClinVar variation 3725821 (VCV003725821.2).